The following is an entry in ClinVar:

ClinVar aggregate classification (germline): Uncertain significance (1 of 4 stars; one submission).

Submission:

CeGaT Center for Human Genetics Tuebingen
Classification: Uncertain significance. Last evaluated: 2025-02-01. Review status: criteria provided, single submitter. Criteria: CeGaT Center For Human Genetics Tuebingen Variant Classification Criteria Version 2. Collection method: clinical testing. Allele origin: germline. Affected: yes. Observed: 1 variant allele.
Comment: FMN2: PM2, PP3

NM_020066.5(FMN2):c.1730G>A (p.Cys577Tyr)

Gene: FMN2 (formin 2; plus strand). Cytogenetic location: 1q43.
Variant type: single nucleotide variant.
Coding change: c.1730G>A on transcript NM_020066.5 (MANE Select); coding-DNA position 1730, G replaced by A.
Protein change: p.Cys577Tyr; replaces cysteine 577 with tyrosine.
Molecular consequence: missense variant.
Genome position (GRCh38, 1-based): chr1:240,123,293, G>A. VCF-style: chr1-240123293-G-A. GRCh37 (hg19) VCF-style: chr1-240286593-G-A.
Other names: c.1730G>A, p.Cys577Tyr (NM_001305424.2, NM_001348094.2); short protein forms C577Y.
Identifiers: ClinVar variation 3772550 (VCV003772550.13).
Genomic context (GRCh38, chr1:240,123,293, plus strand): 5'-AAGCAGAGAAGTTTTGCTCCCGGATCATTGCCATGGGTCTTCTCCTTCCTTTTAGTGATT[G>A]CTTCAGGGAACCGTGTAATCAGAATGCCCAGACGAATGCAGCTTCGTTTGATGTAAGTAG-3'
Protein context (NP_064450.3, residues 567-587): AMGLLLPFSD[Cys577Tyr]FREPCNQNAQ